The following is an entry in ClinVar:

NM_032119.4(ADGRV1):c.11426T>A (p.Leu3809His)

Gene: ADGRV1 (adhesion G protein-coupled receptor V1; plus strand). Cytogenetic location: 5q14.3.
Variant type: single nucleotide variant.
Coding change: c.11426T>A on transcript NM_032119.4 (MANE Select); coding-DNA position 11426, T replaced by A.
Protein change: p.Leu3809His; replaces leucine 3809 with histidine.
Molecular consequence: missense variant. On other transcripts: non-coding transcript variant (1).
Genome position (GRCh38, 1-based): chr5:90,755,031, T>A. VCF-style: chr5-90755031-T-A. GRCh37 (hg19) VCF-style: chr5-90050848-T-A.
Other names: short protein forms L3809H.
Identifiers: ClinVar variation 505875 (VCV000505875.9), dbSNP rs368086521, ClinGen allele CA122798446.

ClinVar aggregate classification (germline): Uncertain significance. Review status: criteria provided, multiple submitters, no conflicts (2 of 4 stars). 3 submissions from 3 submitters: Uncertain significance (3). Last evaluated 2024-08-04.

Conditions:
Inborn genetic diseases. Identifiers: MedGen C0950123, MeSH D030342.

Allele frequency attached by ClinVar (database versions not stated): gnomAD below 0.00001 and 0.00001; gnomAD exomes below 0.00001.
gnomAD v4.1: 9 of 1,613,432 alleles (0.00056%); highest among the groups gnomAD compares: South Asian, 0.0044%; no homozygotes.

Submissions (3):

Labcorp Genetics (formerly Invitae), Labcorp
Classification: Uncertain significance. Last evaluated: 2024-08-04. Review status: criteria provided, single submitter. Criteria: Invitae Variant Classification Sherloc (09022015). Collection method: clinical testing. Allele origin: germline.
Comment: This sequence change replaces leucine, which is neutral and non-polar, with histidine, which is basic and polar, at codon 3809 of the ADGRV1 protein (p.Leu3809His). This variant is not present in population databases (gnomAD no frequency). This variant has not been reported in the literature in individuals affected with ADGRV1-related conditions. ClinVar contains an entry for this variant (Variation ID: 505875). Advanced modeling of protein sequence and biophysical properties (such as structural, functional, and spatial information, amino acid conservation, physicochemical variation, residue mobility, and thermodynamic stability) performed at Invitae indicates that this missense variant is not expected to disrupt ADGRV1 protein function with a negative predictive value of 95%. In summary, the available evidence is currently insufficient to determine the role of this variant in disease. Therefore, it has been classified as a Variant of Uncertain Significance.

Ambry Genetics
Classification: Uncertain significance for Inborn genetic diseases. Last evaluated: 2023-02-28. Review status: criteria provided, single submitter. Criteria: Ambry Variant Classification Scheme 2023. Collection method: clinical testing. Allele origin: germline.

Laboratory for Molecular Medicine, Mass General Brigham Personalized Medicine
Classification: Uncertain significance. Last evaluated: 2017-07-11. Review status: criteria provided, single submitter. Criteria: LMM Criteria. Collection method: clinical testing. Allele origin: germline. Observed: 1 variant allele.
Comment: The p.Leu3809His variant in GPR98 has not been previously reported in individual s with hearing loss or Usher syndrome, or in large population studies. Computati onal prediction tools and conservation analysis suggest that the p.Leu3809His va riant may not impact the protein, though this information is not predictive enou gh to rule out pathogenicity. In summary, the clinical significance of the p.Leu 3809His variant is uncertain.